The following is an entry in ClinVar:

NM_001385012.1(NBEA):c.8168T>G (p.Phe2723Cys)

Gene: NBEA (neurobeachin; plus strand). Cytogenetic location: 13q13.3.
Variant type: single nucleotide variant.
Coding change: c.8168T>G on transcript NM_001385012.1 (MANE Select); coding-DNA position 8168, T replaced by G.
Protein change: p.Phe2723Cys; replaces phenylalanine 2723 with cysteine.
Molecular consequence: missense variant.
Genome position (GRCh38, 1-based): chr13:35,654,987, T>G. VCF-style: chr13-35654987-T-G. GRCh37 (hg19) VCF-style: chr13-36229124-T-G.
Other names: c.1484T>G, p.Phe495Cys (NM_001204197.3); c.8159T>G, p.Phe2720Cys (NM_001379245.1); c.8105T>G, p.Phe2702Cys (NM_015678.5); short protein forms F2702C, F2720C, F2723C, F495C.
Identifiers: ClinVar variation 2627114 (VCV002627114.2), dbSNP rs868380638, ClinGen allele CA248086250.
Genomic context (GRCh38, chr13:35,654,987, plus strand): 5'-GTTTTGTGGTAACAGCAGATAATCGCTATATTCTTATCTGTGGATTCTGGGATAAGAGCT[T>G]CAGAGTTTATTCTACAGAAACAGGTAATCCTAACTATGAAACACCATATTCTCTTCAAAA-3'
Protein context (NP_001371941.1, residues 2713-2733): ILICGFWDKS[Phe2723Cys]RVYSTETGKL

ClinVar aggregate classification (germline): Uncertain significance. Review status: criteria provided, multiple submitters, no conflicts (2 of 4 stars). 2 submissions from 2 submitters: Uncertain significance (2). Last evaluated 2024-09-22.

Conditions:
Neurodevelopmental disorder with or without early-onset generalized epilepsy. Identifiers: MedGen C5436914, MONDO:0030930, OMIM 619157.

Allele frequency attached by ClinVar (database versions not stated): gnomAD exomes below 0.00001.
gnomAD v4.1: 2 of 1,553,470 alleles (0.00013%); highest among the groups gnomAD compares: Middle Eastern, 0.034%; no homozygotes.

Submissions (2):

Genomic Medicine Center of Excellence, King Faisal Specialist Hospital and Research Centre
Classification: Uncertain significance for Neurodevelopmental disorder with or without early-onset generalized epilepsy. Last evaluated: 2024-09-22. Review status: criteria provided, single submitter. Criteria: ACMG Guidelines, 2015. Collection method: clinical testing. Allele origin: germline.

Women's Health and Genetics/Laboratory Corporation of America, LabCorp
Classification: Uncertain significance. Last evaluated: 2023-09-05. Review status: criteria provided, single submitter. Criteria: LabCorp Variant Classification Summary - May 2015. Collection method: clinical testing. Allele origin: germline.
Comment: Variant summary: NBEA c.8105T>G (p.Phe2702Cys) results in a non-conservative amino acid change located in the beta-propeller domain (IPR046851) of the encoded protein sequence. Three of five in-silico tools predict a damaging effect of the variant on protein function. The variant was absent in 191670 control chromosomes (gnomAD). The available data on variant occurrences in the general population are insufficient to allow any conclusion about variant significance. To our knowledge, no occurrence of c.8105T>G in individuals affected with Neurodevelopmental Disorder With Or Without Early-Onset Generalized Epilepsy and no experimental evidence demonstrating its impact on protein function have been reported. No submitters have reported clinical-significance assessments for this variant to ClinVar after 2014. Based on the evidence outlined above, the variant was classified as uncertain significance.